The following continues an entry in ClinVar:

NM_001330260.2(SCN8A):c.2549G>A (p.Arg850Gln)

Gene: SCN8A. ClinVar aggregate classification (germline): Pathogenic/Likely pathogenic. Pathogenic (14); Likely pathogenic (2).

Submissions 12 to 21 of 21:

Ambry Genetics
Classification: Pathogenic for Inborn genetic diseases. Last evaluated: 2018-08-21. Review status: criteria provided, single submitter. Criteria: Ambry Variant Classification Scheme 2023. Collection method: clinical testing. Allele origin: germline.
Comment: The p.R850Q pathogenic mutation (also known as c.2549G>A), located in coding exon 15 of the SCN8A gene, results from a G to A substitution at nucleotide position 2549. The arginine at codon 850 is replaced by glutamine, an amino acid with highly similar properties. This alteration has been detected as de novo occurrences in several individuals with early infantile epileptic encephalopathy (EIEE) and non specific epileptic encephalopathies as well as in one individual with severe childhood epilepsy (Kong W et al. Epilepsia, 2015 Mar;56:431-8; Zhang Q et al. Clin. Genet., 2017 May;91:717-724; Stank D et al. Orphanet J Rare Dis, 2018 May;13:71; Zhu X et al. PLoS Genet., 2017 Nov;13:e1007104). Based on the supporting evidence, this alteration is interpreted as a disease-causing mutation.

Cytogénomique, Hospices Civils de Lyon
Classification: Pathogenic for Developmental and epileptic encephalopathy, 13. Last evaluated: 2017-05-30. Review status: criteria provided, single submitter. Criteria: ACMG Guidelines, 2015. Collection method: clinical testing. Allele origin: de novo. Inheritance: Autosomal dominant inheritance. Affected: yes.

UCLA Clinical Genomics Center, UCLA
Classification: Likely pathogenic for Early infantile epileptic encephalopathy 13. Last evaluated: 2013-02-05. Review status: criteria provided, single submitter. Criteria: Lee et al. (JAMA. 2014). Collection method: clinical testing. Allele origin: de novo. Inheritance: Autosomal dominant inheritance. Affected: yes. Study: CES.

Baylor Genetics
Classification: Pathogenic for Developmental and epileptic encephalopathy, 13. Review status: criteria provided, single submitter. Criteria: ACMG Guidelines, 2015. Collection method: clinical testing. Allele origin: unknown.

Bruce Lefroy Centre, Murdoch Childrens Research Institute
Classification: Pathogenic for Developmental and epileptic encephalopathy, 13. Review status: criteria provided, single submitter. Criteria: ACMG Guidelines, 2015. Collection method: research. Allele origin: de novo. Inheritance: Autosomal dominant inheritance. Affected: yes. Observed: 1 variant allele.

Genetics and Genomic Medicine Centre, NeuroGen Healthcare, NeuroGen Healthcare
Classification: Pathogenic. Last evaluated: 2022-07-20. Review status: no assertion criteria provided. Collection method: clinical testing. Allele origin: unknown. Affected: yes. Not counted in ClinVar's aggregate classification.

Laboratory of Molecular Genetics (Pr. Bezieau's lab), CHU de Nantes
Classification: Pathogenic. Last evaluated: 2016-08-17. Review status: no assertion criteria provided. Collection method: clinical testing. Allele origin: germline. Affected: yes. Not counted in ClinVar's aggregate classification.

Mendelics
Classification: Likely pathogenic for Early infantile epileptic encephalopathy 13. Last evaluated: 2013-02-01. Review status: no assertion criteria provided. Collection method: clinical testing. Allele origin: de novo. Affected: yes. Not counted in ClinVar's aggregate classification.

Channelopathy-Associated Epilepsy Research Center
No classification provided (evidence only). Condition: Complex neurodevelopmental disorder. Review status: no classification provided. Collection method: literature only. Allele origin: not applicable. Functional consequence: Moderate increase in persistent current, Increase in resurgent current, Normal peak current, Mild hyperpolarizing shift of voltage dependence of activation, Increase in slope of activation, Normal voltage dependence of fast inactivation, Increase in slope of fast inactivation, Normal rate of recovery from fast inactivation, Overall gain-of-function effect with respect to biophysical channel activity. Not counted in ClinVar's aggregate classification.
ClinVar note: "not provided" was previously submitted as the classification for the variant. However, the classification appeared to be based only on an observation of functional data so it was converted to no classification on 2025-07-30.

GeneReviews
No classification provided. Condition: Developmental and epileptic encephalopathy, 13. Review status: no classification provided. Collection method: literature only. Allele origin: germline. Affected: yes. Not counted in ClinVar's aggregate classification.

Literature cited by the submitters: PubMed 25785782 (cited by 4 submitters); PubMed 27779742 (cited by Labcorp Genetics (formerly Invitae), Labcorp and Ambry Genetics); PubMed 28923014 (cited by Labcorp Genetics (formerly Invitae), Labcorp); PubMed 29186148 (cited by Labcorp Genetics (formerly Invitae), Labcorp and Ambry Genetics); PubMed 29720203 (cited by Labcorp Genetics (formerly Invitae), Labcorp and Ambry Genetics); PubMed 30171078 (cited by Labcorp Genetics (formerly Invitae), Labcorp and 3billion); PubMed 2578578 (cited by 3billion); PubMed 25326635 (cited by Baylor Genetics); PubMed 22365152 (cited by Mendelics); PubMed 12374766 (cited by Mendelics); PubMed 17881658 (cited by Mendelics); PubMed 31715021 (cited by Channelopathy-Associated Epilepsy Research Center); PubMed 26235739 (cited by GeneReviews); NCBI Bookshelf NBK379665 (cited by GeneReviews).